The following is an entry in ClinVar:

ClinVar aggregate classification (germline): Likely pathogenic (1 of 4 stars; one submission).

Conditions:
Pheochromocytoma. Also called: MAX-Related Hereditary Paraganglioma-Pheochromocytoma Syndrome. Identifiers: Orphanet 29072, MedGen C0031511, MONDO:0008233, OMIM 171300, HP:0002666.
Paragangliomas with sensorineural hearing loss. Identifiers: MedGen C1868633.
Carney-Stratakis syndrome. Also called: PARAGANGLIOMA AND GASTROINTESTINAL STROMAL TUMOR. Identifiers: Orphanet 97286, MedGen C1847319, MONDO:0011740, OMIM 606864.
Cowden syndrome 3 (CWS3). Identifiers: Orphanet 201, MedGen CN166604, MONDO:0014045.

Submission:

Labcorp Genetics (formerly Invitae), Labcorp
Classification: Likely pathogenic for Carney-Stratakis syndrome; Paragangliomas with sensorineural hearing loss; Pheochromocytoma; Cowden syndrome 3. Last evaluated: 2024-04-01. Review status: criteria provided, single submitter. Criteria: Invitae Variant Classification Sherloc (09022015). Collection method: clinical testing. Allele origin: germline.
Comment: This sequence change falls in intron 2 of the SDHD gene. It does not directly change the encoded amino acid sequence of the SDHD protein. RNA analysis indicates that this variant induces altered splicing and may result in an absent or disrupted protein product. This variant is not present in population databases (gnomAD no frequency). This variant has been observed in individual(s) with SDHD-related conditions (Invitae). ClinVar contains an entry for this variant (Variation ID: 956127). Variants that disrupt the consensus splice site are a relatively common cause of aberrant splicing (PMID: 17576681, 9536098). Studies have shown that this variant results in multiple RNA products and introduces a premature termination codon (Invitae). The resulting mRNA is expected to undergo nonsense-mediated decay. This variant disrupts the c.169+5 nucleotide in the SDHD gene. Other variant(s) that disrupt this nucleotide have been determined to be pathogenic (PMID: 17973943, 27986441). This suggests that this nucleotide is clinically significant, and that variants that disrupt this position are likely to be disease-causing. In summary, the currently available evidence indicates that the variant is pathogenic, but additional data are needed to prove that conclusively. Therefore, this variant has been classified as Likely Pathogenic.

Literature cited by the submitters: PubMed 17576681; PubMed 9536098; PubMed 17973943; PubMed 27986441.

NM_003002.4(SDHD):c.169+5G>C

Gene: SDHD (succinate dehydrogenase complex subunit D; plus strand). Cytogenetic location: 11q23.1.
Variant type: single nucleotide variant.
Coding change: c.169+5G>C on transcript NM_003002.4 (MANE Select); 5 bases into the intron after coding-DNA position 169, G replaced by C.
Molecular consequence: intron variant.
Genome position (GRCh38, 1-based): chr11:112,087,978, G>C. VCF-style: chr11-112087978-G-C. GRCh37 (hg19) VCF-style: chr11-111958702-G-C.
Other names: c.169+5G>C (NM_001276506.2, NM_001276503.2); c.53-889G>C (NM_001276504.2).
Identifiers: ClinVar variation 956127 (VCV000956127.11), dbSNP rs1865657237, ClinGen allele CA1139662327.